The following is an entry in ClinVar:

NM_012310.5(KIF4A):c.907G>A (p.Gly303Ser)

Gene: KIF4A (kinesin family member 4A; plus strand). Cytogenetic location: Xq13.1.
Variant type: single nucleotide variant.
Coding change: c.907G>A on transcript NM_012310.5 (MANE Select); coding-DNA position 907, G replaced by A.
Protein change: p.Gly303Ser; replaces glycine 303 with serine.
Molecular consequence: missense variant.
Genome position (GRCh38, 1-based): chrX:70,330,168, G>A. VCF-style: chrX-70330168-G-A. GRCh37 (hg19) VCF-style: chrX-69550018-G-A.
Other names: short protein forms G303S.
Identifiers: ClinVar variation 1879004 (VCV001879004.2), dbSNP rs2085924980, ClinGen allele CA413462827.

ClinVar aggregate classification (germline): Uncertain significance (1 of 4 stars; one submission).

Submission:

GeneDx
Classification: Uncertain significance. Last evaluated: 2024-12-11. Review status: criteria provided, single submitter. Criteria: GeneDx Variant Classification Process June 2021. Collection method: clinical testing. Allele origin: germline. Affected: yes.
Comment: Not observed at significant frequency in large population cohorts (gnomAD); In silico analysis supports that this missense variant has a deleterious effect on protein structure/function; Has not been previously published as pathogenic or benign to our knowledge